The following is an entry in ClinVar:

NM_144672.4(OTOA):c.180-1del

Gene: OTOA (otoancorin). Cytogenetic location: 16p12.2.
Variant type: Deletion.
Coding change: c.180-1del on transcript NM_144672.4 (MANE Select); the canonical splice acceptor site of the intron before coding-DNA position 180, one base deleted.
Molecular consequence: splice acceptor variant.
Genome position: GRCh38 VCF-style: chr16-21681736-AG-A. GRCh37 (hg19) VCF-style: chr16-21693057-AG-A.
Identifiers: ClinVar variation 2746708 (VCV002746708.3), dbSNP rs1966895533, ClinGen allele CA2212542694.
Genomic context (GRCh38, chr16:21,681,736, plus strand): 5'-TACAGTAGTGCTTGTAGGAGAATCTGTCATTGTGATCTTTTCCTGTCTGTCTTCAACTGA[AG>A]CTCCCACGTGTGGACGGATGACCTGTCCCACAGAGTCCTGGCCTATCTGAATTCCCGGAA-3'

ClinVar aggregate classification (germline): Likely pathogenic (1 of 4 stars; one submission).

Allele frequency attached by ClinVar (database versions not stated): TOPMed below 0.00001.

Submission:

Labcorp Genetics (formerly Invitae), Labcorp
Classification: Likely pathogenic. Last evaluated: 2023-08-05. Review status: criteria provided, single submitter. Criteria: Invitae Variant Classification Sherloc (09022015). Collection method: clinical testing. Allele origin: germline.
Comment: In summary, the currently available evidence indicates that the variant is pathogenic, but additional data are needed to prove that conclusively. Therefore, this variant has been classified as Likely Pathogenic. Algorithms developed to predict the effect of sequence changes on RNA splicing suggest that this variant may disrupt the consensus splice site. This variant has not been reported in the literature in individuals affected with OTOA-related conditions. This variant is not present in population databases (gnomAD no frequency). This sequence change affects a splice site in intron 4 of the OTOA gene. It is expected to disrupt RNA splicing. Variants that disrupt the donor or acceptor splice site typically lead to a loss of protein function (PMID: 16199547), and loss-of-function variants in OTOA are known to be pathogenic (PMID: 11972037).

Literature cited by the submitters: PubMed 16199547; PubMed 11972037.